The following is an entry in ClinVar:

ClinVar aggregate classification (germline): Uncertain significance (1 of 4 stars; one submission).

Conditions:
Koolen-de Vries syndrome (KDVS). Identifiers: Orphanet 96169, MedGen C1864871, MONDO:0012496, OMIM 610443.

Submission:

Juno Genomics, Hangzhou Juno Genomics, Inc
Classification: Uncertain significance for Koolen-de Vries syndrome. Review status: criteria provided, single submitter. Criteria: ACMG Guidelines, 2015. Collection method: clinical testing. Allele origin: germline.
Comment: Absent from controls (or at extremely low frequency if recessive) in Genome Aggregation Database.;Protein length changes due to in-frame deletions/insertions in a non-repeat region or stop-loss variants.

NM_015443.4(KANSL1):c.805_813del (p.Pro269_Ser271del)

Gene: KANSL1 (KAT8 regulatory NSL complex subunit 1). Cytogenetic location: 17q21.31.
Variant type: Deletion.
Coding change: c.805_813del on transcript NM_015443.4 (MANE Select); coding-DNA positions 805 to 813, 9 bases deleted.
Protein change: p.Pro269_Ser271del.
Molecular consequence: inframe deletion. On other transcripts: intron variant (4).
Genome position: GRCh38 VCF-style: chr17-46171330-AAGACAGGGG-A. GRCh37 (hg19) VCF-style: chr17-44248696-AAGACAGGGG-A.
Other names: c.805_813del, p.Pro269_Ser271del (NM_001405854.1, NM_001405855.1, NM_001405856.1 and 18 more transcripts); c.23+52332_23+52340del (NM_001405885.1, NM_001405884.1, NM_001405883.1 and 1 more transcripts).
Identifiers: ClinVar variation 5018906 (VCV005018906.2).